The following is an entry in ClinVar:

NM_004320.6(ATP2A1):c.2434C>T (p.Pro812Ser)

Gene: ATP2A1 (ATPase sarcoplasmic/endoplasmic reticulum Ca2+ transporting 1; plus strand). Cytogenetic location: 16p11.2.
Variant type: single nucleotide variant.
Coding change: c.2434C>T on transcript NM_004320.6 (MANE Select); coding-DNA position 2434, C replaced by T.
Protein change: p.Pro812Ser; replaces proline 812 with serine.
Molecular consequence: missense variant.
Genome position (GRCh38, 1-based): chr16:28,902,296, C>T. VCF-style: chr16-28902296-C-T. GRCh37 (hg19) VCF-style: chr16-28913617-C-T.
Other names: c.2059C>T, p.Pro687Ser (NM_001286075.2); c.2434C>T, p.Pro812Ser (NM_173201.5); short protein forms P687S, P812S.
Identifiers: ClinVar variation 836816 (VCV000836816.9), dbSNP rs1484794775, ClinGen allele CA395413959.
Genomic context (GRCh38, chr16:28,902,296, plus strand): 5'-CTGCTATGGGTGAACTTGGTGACCGACGGGCTCCCAGCCACAGCCCTGGGCTTCAACCCA[C>T]CAGACCTGGACATCATGGACCGCCCCCCCCGGAGCCCCAAGGAGCCCCTCATCAGTGGCT-3'
Protein context (NP_004311.1, residues 802-822): LPATALGFNP[Pro812Ser]DLDIMDRPPR

ClinVar aggregate classification (germline): Uncertain significance. Review status: criteria provided, multiple submitters, no conflicts (2 of 4 stars). 2 submissions from 2 submitters: Uncertain significance (2). Last evaluated 2024-03-07.

Conditions:
Brody myopathy. Also called: BRODY DISEASE. Identifiers: Orphanet 53347, MedGen C1832918, MONDO:0010977, OMIM 601003.
Inborn genetic diseases. Identifiers: MedGen C0950123, MeSH D030342.

Allele frequency attached by ClinVar (database versions not stated): gnomAD exomes below 0.00001; TOPMed below 0.00001; gnomAD 0.00001.
gnomAD v4.1: 5 of 1,614,026 alleles (0.00031%); highest among the groups gnomAD compares: Admixed American, 0.0017%; no homozygotes.

Submissions (2):

Ambry Genetics
Classification: Uncertain significance for Inborn genetic diseases. Last evaluated: 2024-03-07. Review status: criteria provided, single submitter. Criteria: Ambry Variant Classification Scheme 2023. Collection method: clinical testing. Allele origin: germline.

Labcorp Genetics (formerly Invitae), Labcorp
Classification: Uncertain significance for Brody myopathy. Last evaluated: 2022-08-09. Review status: criteria provided, single submitter. Criteria: Invitae Variant Classification Sherloc (09022015). Collection method: clinical testing. Allele origin: germline.
Comment: This variant has not been reported in the literature in individuals affected with ATP2A1-related conditions. This variant is present in population databases (no rsID available, gnomAD 0.0009%). This sequence change replaces proline, which is neutral and non-polar, with serine, which is neutral and polar, at codon 812 of the ATP2A1 protein (p.Pro812Ser). In summary, the available evidence is currently insufficient to determine the role of this variant in disease. Therefore, it has been classified as a Variant of Uncertain Significance. Algorithms developed to predict the effect of missense changes on protein structure and function are either unavailable or do not agree on the potential impact of this missense change (SIFT: "Deleterious"; PolyPhen-2: "Probably Damaging"; Align-GVGD: "Class C0"). ClinVar contains an entry for this variant (Variation ID: 836816).